The following is an entry in ClinVar:

NM_001290060.2(SEMA3B):c.1239G>T (p.Leu413=)

Gene: SEMA3B (semaphorin 3B; plus strand). Cytogenetic location: 3p21.31.
Variant type: single nucleotide variant.
Coding change: c.1239G>T on transcript NM_001290060.2 (MANE Select); coding-DNA position 1239, G replaced by T.
Protein change: p.Leu413=; no amino-acid change (leucine 413 retained).
Molecular consequence: synonymous variant. On other transcripts: non-coding transcript variant (1).
Genome position (GRCh38, 1-based): chr3:50,274,464, G>T. VCF-style: chr3-50274464-G-T. GRCh37 (hg19) VCF-style: chr3-50311895-G-T.
Other names: c.1236G>T, p.Leu412= (NM_001005914.3); c.1254G>T, p.Leu418= (NM_001290061.1); c.210G>T, p.Leu70= (NM_001290062.2, NM_001290063.2); c.1239G>T, p.Leu413= (NM_004636.4).
Identifiers: ClinVar variation 3356131 (VCV003356131.1).
Genomic context (GRCh38, chr3:50,274,464, plus strand): 5'-CTTCCCAGACGATGTCATCCAGTTTGCGCGGAACCACCCCCTCATGTACAACTCTGTCCT[G>T]CCCACTGGGGGGCGCCCTCTTTTCCTACAAGTTGGAGCCAATTACACCTTCACTCAAATT-3'
Protein context (NP_001276989.1, residues 403-423): RNHPLMYNSV[Leu413=]PTGGRPLFLQ

ClinVar aggregate classification (germline): Likely benign (0 of 4 stars; one submission).

Conditions:
SEMA3B-related disorder. Also called: SEMA3B-related condition.

gnomAD v4.1: 4 of 1,546,638 alleles (0.00026%); highest among the groups gnomAD compares: Non-Finnish European, 0.00035%; no homozygotes.

Submission:

PreventionGenetics, part of Exact Sciences
Classification: Likely benign for SEMA3B-related condition. Last evaluated: 2023-06-06. Review status: no assertion criteria provided. Collection method: clinical testing. Allele origin: germline.
Comment: This variant is classified as likely benign based on ACMG/AMP sequence variant interpretation guidelines (Richards et al. 2015 PMID: 25741868, with internal and published modifications).